The following is an entry in ClinVar:

ClinVar aggregate classification (germline): Pathogenic (0 of 4 stars; one submission).

Conditions:
Polycystic kidney disease. Also called: Polycystic kidney dysplasia; Kidney, Polycystic. Identifiers: MedGen C0022680, MeSH D007690, MONDO:0020642, HP:0000113.

Submission:

Department of Pathology and Laboratory Medicine, Sinai Health System
Classification: Pathogenic for Polycystic Kidney disease. Review status: no assertion criteria provided. Collection method: clinical testing. Allele origin: unknown. Affected: yes. Study: The Canadian Open Genetics Repository (COGR).
Comment: The PKD1 p.Gln1962Hisfs*25 variant was not identified in the literature nor was it identified in the dbSNP, ClinVar, LOVD 3.0, ADPKD Mutation Database, and PKD1-LOVD databases. The variant was not identified in the following control databases: the Exome Aggregation Consortium (August 8th 2016), or the Genome Aggregation Database (Feb 27, 2017). The c.5886_5893del variant is predicted to cause a frameshift, which alters the protein amino acid sequence beginning at codon 1962 and leads to a premature stop codon 25 codons downstream. This alteration is then predicted to result in a truncated or absent protein and loss of function. Loss of function variants of the PKD1 gene are an established mechanism of disease in autosomal dominant polycystic kidney disease and is the type of variant expected to cause the disorder. In summary, based on the above information this variant meets our laboratoryâ€šÃ„Ã´s criteria to be classified as pathogenic.

NM_001009944.3(PKD1):c.5886_5893del (p.Gln1962fs)

Gene: PKD1 (polycystin 1, transient receptor potential channel interacting; minus strand). Cytogenetic location: 16p13.3.
Variant type: Deletion.
Coding change: c.5886_5893del on transcript NM_001009944.3 (MANE Select); coding-DNA positions 5886 to 5893, 8 bases deleted (GGTGCGCA; older notation c.5886_5893delGGTGCGCA).
Protein change: p.Gln1962fs; shifts the reading frame from glutamine 1962.
Molecular consequence: frameshift variant.
Genome position (GRCh38, 1-based): chr16:2,109,274-2,109,281, TGCGCACC deleted on the plus strand (GGTGCGCA on the coding strand, the reverse complement: PKD1 is on the minus strand); deleting any 8 consecutive bases within chr16:2,109,274-2,109,286 gives the same sequence; the c. name uses the placement nearest the transcript's 3' end. VCF-style (leftmost placement, unchanged base first): chr16-2109273-ATGCGCACC-A. GRCh37 (hg19) VCF-style: chr16-2159274-ATGCGCACC-A.
Other names: c.5886_5893del, p.Gln1962fs (NM_000296.4); short protein forms Q1962fs.
Identifiers: ClinVar variation 997296 (VCV000997296.1), dbSNP rs2092440281, ClinGen allele CA2202046165.